The following is an entry in ClinVar:

NM_000146.4(FTL):c.-143G>A

Gene: FTL (ferritin light chain; plus strand). Cytogenetic location: 19q13.33.
Variant type: single nucleotide variant.
Coding change: c.-143G>A on transcript NM_000146.4 (MANE Select); 143 bases upstream of the start codon, G replaced by A.
Molecular consequence: 5 prime UTR variant.
Genome position (GRCh38, 1-based): chr19:48,965,365, G>A. VCF-style: chr19-48965365-G-A. GRCh37 (hg19) VCF-style: chr19-49468622-G-A.
Identifiers: ClinVar variation 2050794 (VCV002050794.4), dbSNP rs2038438727, ClinGen allele CA2340161179.
Genomic context (GRCh38, chr19:48,965,365, plus strand): 5'-CCTCGCAGTTCGGCGGTCCCGCGGGTCTGTCTCTTGCTTCAACAGTGTTTGGACGGAACA[G>A]ATCCGGGGACTCTCTTCCAGCCTCCGACCGCCCTCCGATTTCCTCTCCGCTTGCAACCTC-3'

ClinVar aggregate classification (germline): Uncertain significance (1 of 4 stars; one submission).

Conditions:
Hereditary hyperferritinemia with congenital cataracts. Also called: Hereditary hyperferritinemia cataract syndrome; Bonneau-Beaumont syndrome; HYPERFERRITINEMIA WITH OR WITHOUT CATARACT. Identifiers: Orphanet 163, MedGen C1833213, MONDO:0010952, OMIM 600886.
Neuroferritinopathy (NBIA3). Also called: NEURODEGENERATION WITH BRAIN IRON ACCUMULATION 3; BASAL GANGLIA DISEASE, ADULT-ONSET. Identifiers: Orphanet 157846, MedGen C1853578, MONDO:0011638, OMIM 606159.

Allele frequency attached by ClinVar (database versions not stated): TOPMed below 0.00001; gnomAD exomes 0.00001.
gnomAD v4.1: 4 of 705,456 alleles (0.00057%); highest among the groups gnomAD compares: Non-Finnish European, 0.001%; no homozygotes.

Submission:

Labcorp Genetics (formerly Invitae), Labcorp
Classification: Uncertain significance for Neuroferritinopathy; Hereditary hyperferritinemia with congenital cataracts. Last evaluated: 2022-10-12. Review status: criteria provided, single submitter. Criteria: Invitae Variant Classification Sherloc (09022015). Collection method: clinical testing. Allele origin: germline.
Comment: This variant occurs in a non-coding region of the FTL gene. It does not change the encoded amino acid sequence of the FTL protein. This variant is not present in population databases (gnomAD no frequency). This variant has not been reported in the literature in individuals affected with FTL-related conditions. In summary, the available evidence is currently insufficient to determine the role of this variant in disease. Therefore, it has been classified as a Variant of Uncertain Significance.